The following is an entry in ClinVar:

NM_000059.4(BRCA2):c.6428C>T (p.Ser2143Leu)

Gene: BRCA2 (BRCA2 DNA repair associated; plus strand). Cytogenetic location: 13q13.1.
Variant type: single nucleotide variant.
Coding change: c.6428C>T on transcript NM_000059.4 (MANE Select); coding-DNA position 6428, C replaced by T.
Protein change: p.Ser2143Leu; replaces serine 2143 with leucine.
Molecular consequence: missense variant.
Genome position (GRCh38, 1-based): chr13:32,340,783, C>T. VCF-style: chr13-32340783-C-T. GRCh37 (hg19) VCF-style: chr13-32914920-C-T.
Other names: short protein forms S2143L.
Identifiers: ClinVar variation 141983 (VCV000141983.17), dbSNP rs149330893, ClinGen allele CA024021.

ClinVar aggregate classification (germline): Conflicting classifications of pathogenicity. Review status: criteria provided, conflicting classifications (1 of 4 stars). 4 submissions from 4 submitters: Uncertain significance (3); Likely benign (1). Last evaluated 2025-10-03.

Conditions:
BRCA2-related cancer predisposition. Identifiers: MedGen CN377758, MONDO:0700269.
Hereditary cancer-predisposing syndrome. Also called: Neoplastic Syndromes, Hereditary; Tumor predisposition; Hereditary Cancer Syndrome; Hereditary neoplastic syndrome. Identifiers: Orphanet 140162, MedGen C0027672, MeSH D009386, MONDO:0015356.
Hereditary breast ovarian cancer syndrome. Also called: Breast and ovarian cancer; Hereditary breast and ovarian cancer; Hereditary breast and/or ovarian cancer syndrome; BRCA1- and BRCA2-Associated Hereditary Breast and Ovarian Cancer; Hereditary breast and ovarian cancer syndrome; Hereditary breast and ovarian cancer syndrome (HBOC). Identifiers: Orphanet 145, MedGen C0677776, MeSH D061325, MONDO:0003582. Disease mechanism: loss of function.

Allele frequency attached by ClinVar (database versions not stated): gnomAD exomes below 0.00001; ExAC 0.00001; ESP Exome Variant Server 0.00008.

Submissions (4):

Ambry Genetics
Classification: Uncertain significance for Hereditary cancer-predisposing syndrome. Last evaluated: 2025-10-03. Review status: criteria provided, single submitter. Criteria: Ambry Variant Classification Scheme 2023. Collection method: clinical testing. Allele origin: germline.
Comment: The p.S2143L variant (also known as c.6428C>T), located in coding exon 10 of the BRCA2 gene, results from a C to T substitution at nucleotide position 6428. The serine at codon 2143 is replaced by leucine, an amino acid with dissimilar properties. This amino acid position is not well conserved in available vertebrate species. In addition, the in silico prediction for this alteration is inconclusive. Since supporting evidence is limited at this time, the clinical significance of this alteration remains unclear.

Labcorp Genetics (formerly Invitae), Labcorp
Classification: Uncertain significance for Hereditary breast ovarian cancer syndrome. Last evaluated: 2024-04-27. Review status: criteria provided, single submitter. Criteria: Invitae Variant Classification Sherloc (09022015). Collection method: clinical testing. Allele origin: germline.
Comment: This sequence change replaces serine, which is neutral and polar, with leucine, which is neutral and non-polar, at codon 2143 of the BRCA2 protein (p.Ser2143Leu). This variant is present in population databases (rs149330893, gnomAD 0.0009%). This variant has not been reported in the literature in individuals affected with BRCA2-related conditions. ClinVar contains an entry for this variant (Variation ID: 141983). Advanced modeling of protein sequence and biophysical properties (such as structural, functional, and spatial information, amino acid conservation, physicochemical variation, residue mobility, and thermodynamic stability) performed at Invitae indicates that this missense variant is not expected to disrupt BRCA2 protein function with a negative predictive value of 95%. In summary, the available evidence is currently insufficient to determine the role of this variant in disease. Therefore, it has been classified as a Variant of Uncertain Significance.

All of Us Research Program, National Institutes of Health
Classification: Uncertain significance for BRCA2-related cancer predisposition. Last evaluated: 2024-03-24. Review status: criteria provided, single submitter. Criteria: ACMG Guidelines, 2015. Collection method: clinical testing. Allele origin: germline. Inheritance: Autosomal dominant inheritance. Observed: 2 variant alleles, 2 heterozygotes.
Comment: This missense variant replaces serine with leucine at codon 2143 of the BRCA2 protein. Computational prediction suggests that this variant may not impact protein structure and function (internally defined REVEL score threshold <= 0.5, PMID: 27666373). To our knowledge, functional studies have not been reported for this variant. This variant has not been reported in individuals affected with BRCA2-related disorders in the literature. This variant has been identified in 1/229892 chromosomes in the general population by the Genome Aggregation Database (gnomAD). The available evidence is insufficient to determine the role of this variant in disease conclusively. Therefore, this variant is classified as a Variant of Uncertain Significance.

This study involves interpretation of variants in research participants for the purpose of population health screening. Participant phenotype was not available at the time of variant classification. Additional details can be found in publication PMID: 35346344, PMCID: PMC8962531

University of Washington Department of Laboratory Medicine, University of Washington
Classification: Likely benign for Hereditary cancer-predisposing syndrome. Last evaluated: 2023-03-23. Review status: criteria provided, single submitter. Criteria: Dines et al. (Genet Med. 2020). Collection method: curation. Allele origin: germline.
Comment: Missense variant in a coldspot region where missense variants are very unlikely to be pathogenic (PMID:31911673).

BRCA2 exon 11 coldspot. Reclassification based on statistical prior probability.

Literature cited by the submitters: PubMed 23555315 (cited by Ambry Genetics).